The following is an entry in ClinVar:

NM_000798.5(DRD5):c.631G>A (p.Asp211Asn)

Genes: DRD5 (dopamine receptor D5; plus strand), SLC2A9 (solute carrier family 2 member 9; minus strand). Cytogenetic location: 4p16.1.
Variant type: single nucleotide variant.
Coding change: c.631G>A on transcript NM_000798.5 (MANE Select); coding-DNA position 631, G replaced by A.
Protein change: p.Asp211Asn; replaces aspartic acid 211 with asparagine.
Molecular consequence: missense variant.
Genome position (GRCh38, 1-based): chr4:9,782,660, G>A. VCF-style: chr4-9782660-G-A. GRCh37 (hg19) VCF-style: chr4-9784284-G-A.
Other names: short protein forms D211N.
Identifiers: ClinVar variation 3034554 (VCV003034554.2), dbSNP rs137945596, ClinGen allele CA2856563.

ClinVar aggregate classification (germline): Likely benign (0 of 4 stars; one submission).

Conditions:
DRD5-related disorder. Also called: DRD5-related condition.

Allele frequency attached by ClinVar (database versions not stated): ExAC 0.00056; 1000 Genomes Project 30x 0.00078; 1000 Genomes Project 0.00100; ESP Exome Variant Server 0.00161; gnomAD 0.00167; TOPMed 0.00179.
gnomAD v4.1: 495 of 1,614,004 alleles (0.031%); highest among the groups gnomAD compares: African/African-American, 0.57%; no homozygotes.

Submission:

PreventionGenetics, part of Exact Sciences
Classification: Likely benign for DRD5-related condition. Last evaluated: 2019-02-18. Review status: no assertion criteria provided. Collection method: clinical testing. Allele origin: germline.
Comment: This variant is classified as likely benign based on ACMG/AMP sequence variant interpretation guidelines (Richards et al. 2015 PMID: 25741868, with internal and published modifications).